The following is an entry in ClinVar:

NM_021930.6(RINT1):c.1495G>A (p.Ala499Thr)

Gene: RINT1 (RAD50 interactor 1; plus strand). Cytogenetic location: 7q22.3.
Variant type: single nucleotide variant.
Coding change: c.1495G>A on transcript NM_021930.6 (MANE Select); coding-DNA position 1495, G replaced by A.
Protein change: p.Ala499Thr; replaces alanine 499 with threonine.
Molecular consequence: missense variant.
Genome position (GRCh38, 1-based): chr7:105,555,051, G>A. VCF-style: chr7-105555051-G-A. GRCh37 (hg19) VCF-style: chr7-105195498-G-A.
Other names: c.1495G>A (NM_021930.4); c.1261G>A, p.Ala421Thr (NM_001346599.2); c.472G>A, p.Ala158Thr (NM_001346600.2, NM_001346603.2); c.571G>A, p.Ala191Thr (NM_001346601.2); short protein forms A421T, A191T, A499T, A158T.
Identifiers: ClinVar variation 1039039 (VCV001039039.10), dbSNP rs1791116042, ClinGen allele CA368811263.

ClinVar aggregate classification (germline): Uncertain significance. Review status: criteria provided, multiple submitters, no conflicts (2 of 4 stars). 2 submissions from 2 submitters: Uncertain significance (2). Last evaluated 2023-09-01.

Submissions (2):

Ambry Genetics
Classification: Uncertain significance. Last evaluated: 2023-09-01. Review status: criteria provided, single submitter. Criteria: Ambry Variant Classification Scheme 2023. Collection method: clinical testing. Allele origin: germline.
Comment: The p.A499T variant (also known as c.1495G>A), located in coding exon 11 of the RINT1 gene, results from a G to A substitution at nucleotide position 1495. The alanine at codon 499 is replaced by threonine, an amino acid with similar properties. This amino acid position is conserved. In addition, this alteration is predicted to be tolerated by in silico analysis. Since supporting evidence is limited at this time, the clinical significance of this alteration remains unclear.

Labcorp Genetics (formerly Invitae), Labcorp
Classification: Uncertain significance. Last evaluated: 2022-07-06. Review status: criteria provided, single submitter. Criteria: Invitae Variant Classification Sherloc (09022015). Collection method: clinical testing. Allele origin: germline.
Comment: In summary, the available evidence is currently insufficient to determine the role of this variant in disease. Therefore, it has been classified as a Variant of Uncertain Significance. Algorithms developed to predict the effect of sequence changes on RNA splicing suggest that this variant may disrupt the consensus splice site. Algorithms developed to predict the effect of missense changes on protein structure and function (SIFT, PolyPhen-2, Align-GVGD) all suggest that this variant is likely to be tolerated. ClinVar contains an entry for this variant (Variation ID: 1039039). This variant has not been reported in the literature in individuals affected with RINT1-related conditions. This variant is not present in population databases (gnomAD no frequency). This sequence change replaces alanine, which is neutral and non-polar, with threonine, which is neutral and polar, at codon 499 of the RINT1 protein (p.Ala499Thr).